The following is an entry in ClinVar:

ClinVar aggregate classification (germline): Uncertain significance (1 of 4 stars; one submission).

Conditions:
Epidermolysis bullosa simplex with nail dystrophy (EBS5D). Identifiers: MedGen C4225309, MONDO:0014661, OMIM 616487.
Epidermolysis bullosa simplex 5B, with muscular dystrophy (EBS5B). Also called: EPIDERMOLYSIS BULLOSA SIMPLEX AND LIMB-GIRDLE MUSCULAR DYSTROPHY; Epidermolysis bullosa simplex with muscular dystrophy. Identifiers: Orphanet 257, MedGen C2931072, MONDO:0009181, OMIM 226670.
Epidermolysis bullosa simplex, Ogna type (EBS5A). Also called: Pidermolysis bullosa simplex 5A, Ogna type; EPIDERMOLYSIS BULLOSA SIMPLEX 5A, OGNA TYPE. Identifiers: Orphanet 79401, MedGen C0432317, MONDO:0007555, OMIM 131950.
Epidermolysis bullosa simplex 5C, with pyloric atresia (EBS5C). Also called: Epidermolysis bullosa simplex with pyloric atresia; PLEC-Related Epidermolysis Bullosa with Pyloric Atresia; PLEC1-Related Epidermolysis Bullosa with Pyloric Atresia. Identifiers: Orphanet 158684, MedGen C2677349, MONDO:0012807, OMIM 612138.
Autosomal recessive limb-girdle muscular dystrophy type 2Q (LGMDR17). Also called: MUSCULAR DYSTROPHY, LIMB-GIRDLE, AUTOSOMAL RECESSIVE 17. Identifiers: Orphanet 254361, MedGen C3150989, MONDO:0013390, OMIM 613723.

gnomAD v4.1: 3 of 1,613,122 alleles (0.00019%); highest among the groups gnomAD compares: African/African-American, 0.004%; no homozygotes.

Submission:

Labcorp Genetics (formerly Invitae), Labcorp
Classification: Uncertain significance for Autosomal recessive limb-girdle muscular dystrophy type 2Q; Epidermolysis bullosa simplex, Ogna type; Epidermolysis bullosa simplex with nail dystrophy; Epidermolysis bullosa simplex 5C, with pyloric atresia; Epidermolysis bullosa simplex 5B, with muscular dystrophy. Last evaluated: 2022-08-06. Review status: criteria provided, single submitter. Criteria: Invitae Variant Classification Sherloc (09022015). Collection method: clinical testing. Allele origin: germline.
Comment: This sequence change replaces aspartic acid, which is acidic and polar, with tyrosine, which is neutral and polar, at codon 362 of the PLEC protein (p.Asp362Tyr). In summary, the available evidence is currently insufficient to determine the role of this variant in disease. Therefore, it has been classified as a Variant of Uncertain Significance. Algorithms developed to predict the effect of missense changes on protein structure and function are either unavailable or do not agree on the potential impact of this missense change (SIFT: "Deleterious"; PolyPhen-2: "Not Available"; Align-GVGD: "Class C15"). This variant has not been reported in the literature in individuals affected with PLEC-related conditions. This variant is present in population databases (no rsID available, gnomAD 0.01%).

NM_201384.3(PLEC):c.1003G>T (p.Asp335Tyr)

Gene: PLEC (plectin; minus strand). Cytogenetic location: 8q24.3.
Variant type: single nucleotide variant.
Coding change: c.1003G>T on transcript NM_201384.3 (MANE Select); coding-DNA position 1003, G replaced by T.
Protein change: p.Asp335Tyr; replaces aspartic acid 335 with tyrosine.
Molecular consequence: missense variant.
Genome position (GRCh38, 1-based): chr8:143,934,673, C>A on the plus strand (G>T on the coding strand, the complement: PLEC is on the minus strand). VCF-style: chr8-143934673-C-A. GRCh37 (hg19) VCF-style: chr8-145008841-C-A.
Other names: c.1084G>T, p.Asp362Tyr (NM_000445.5, NM_001410941.1); c.961G>T, p.Asp321Tyr (NM_201378.4); c.937G>T, p.Asp313Tyr (NM_201379.3); c.1414G>T, p.Asp472Tyr (NM_201380.4); c.907G>T, p.Asp303Tyr (NM_201381.3); c.1003G>T, p.Asp335Tyr (NM_201382.4); c.1015G>T, p.Asp339Tyr (NM_201383.3); short protein forms D303Y, D313Y, D362Y, D472Y, D335Y, D339Y, D321Y.
Identifiers: ClinVar variation 2195619 (VCV002195619.4), dbSNP rs367862127, ClinGen allele CA372585423.